The following is an entry in ClinVar:

NM_006516.4(SLC2A1):c.554T>C (p.Leu185Pro)

Gene: SLC2A1 (solute carrier family 2 member 1; minus strand). Cytogenetic location: 1p34.2.
Variant type: single nucleotide variant.
Coding change: c.554T>C on transcript NM_006516.4 (MANE Select); coding-DNA position 554, T replaced by C.
Protein change: p.Leu185Pro; replaces leucine 185 with proline.
Molecular consequence: missense variant.
Genome position (GRCh38, 1-based): chr1:42,929,998, A>G on the plus strand (T>C on the coding strand, the complement: SLC2A1 is on the minus strand). VCF-style: chr1-42929998-A-G. GRCh37 (hg19) VCF-style: chr1-43395669-A-G.
Other names: short protein forms L185P.
Identifiers: ClinVar variation 651573 (VCV000651573.11), dbSNP rs1570592942, ClinGen allele CA339958710.

ClinVar aggregate classification (germline): Uncertain significance. Review status: criteria provided, multiple submitters, no conflicts (2 of 4 stars). 8 submissions from 4 submitters: Uncertain significance (8). Last evaluated 2024-12-02.

Conditions:
Inborn genetic diseases. Identifiers: MedGen C0950123, MeSH D030342.
Encephalopathy due to GLUT1 deficiency. Also called: GLUCOSE TRANSPORT DEFECT, BLOOD-BRAIN BARRIER; Classic Glucose Transporter Type 1 Deficiency Syndrome; De Vivo disease; GLUT1 deficiency syndrome 1; GLUT1 deficiency syndrome 1, infantile onset, severe; Glucose transporter protein syndrome. Identifiers: Orphanet 71277, MedGen C4551966, MONDO:0011724, OMIM 606777.
GLUT1 deficiency syndrome 1, autosomal recessive. Identifiers: MedGen C3149117.
Childhood onset GLUT1 deficiency syndrome 2. Also called: PAROXYSMAL EXERCISE-INDUCED DYSKINESIA WITH OR WITHOUT EPILEPSY AND/OR HEMOLYTIC ANEMIA; PAROXYSMAL EXERTION-INDUCED DYSTONIA WITH OR WITHOUT EPILEPSY AND/OR HEMOLYTIC ANEMIA; PED WITH OR WITHOUT EPILEPSY AND/OR HEMOLYTIC ANEMIA; Paroxysmal exercise-induced dystonia; Exertion-induced paroxysmal dyskinesia; GLUT1 deficiency syndrome 2. Identifiers: Orphanet 98811, MedGen C1842534, MONDO:0012805, OMIM 612126.
Dystonia 9 (DYT9). Also called: CHOREOATHETOSIS, KINESIGENIC, WITH EPISODIC ATAXIA AND SPASTICITY. Identifiers: Orphanet 53583, MedGen C1832855, MONDO:0010983, OMIM 601042.
Epilepsy, idiopathic generalized, susceptibility to, 12 (EIG12). Identifiers: MedGen C3553859, MONDO:0013919, OMIM 614847.
Hereditary cryohydrocytosis with reduced stomatin. Also called: Stomatin-deficient cryohydrocytosis with neurologic defects; GLUT1 DEFICIENCY SYNDROME WITH PSEUDOHYPERKALEMIA AND HEMOLYSIS. Identifiers: Orphanet 168577, MedGen C1837206, MONDO:0012143, OMIM 608885.

Submissions (8):

Labcorp Genetics (formerly Invitae), Labcorp
Classification: Uncertain significance for GLUT1 deficiency syndrome 1, autosomal recessive. Last evaluated: 2024-12-02. Review status: criteria provided, single submitter. Criteria: Invitae Variant Classification Sherloc (09022015). Collection method: clinical testing. Allele origin: germline.
Comment: This sequence change replaces leucine, which is neutral and non-polar, with proline, which is neutral and non-polar, at codon 185 of the SLC2A1 protein (p.Leu185Pro). This variant is not present in population databases (gnomAD no frequency). This variant has not been reported in the literature in individuals affected with SLC2A1-related conditions. ClinVar contains an entry for this variant (Variation ID: 651573). Invitae Evidence Modeling of protein sequence and biophysical properties (such as structural, functional, and spatial information, amino acid conservation, physicochemical variation, residue mobility, and thermodynamic stability) has been performed for this missense variant. However, the output from this modeling did not meet the statistical confidence thresholds required to predict the impact of this variant on SLC2A1 protein function. In summary, the available evidence is currently insufficient to determine the role of this variant in disease. Therefore, it has been classified as a Variant of Uncertain Significance.

Genome-Nilou Lab
Classification: Uncertain significance for Epilepsy, idiopathic generalized, susceptibility to, 12. Last evaluated: 2023-04-11. Review status: criteria provided, single submitter. Criteria: ACMG Guidelines, 2015. Collection method: clinical testing. Allele origin: germline. Affected: no.

Genome-Nilou Lab
Classification: Uncertain significance for Dystonia 9. Last evaluated: 2023-04-11. Review status: criteria provided, single submitter. Criteria: ACMG Guidelines, 2015. Collection method: clinical testing. Allele origin: germline. Affected: no.

Genome-Nilou Lab
Classification: Uncertain significance for Encephalopathy due to GLUT1 deficiency. Last evaluated: 2023-04-11. Review status: criteria provided, single submitter. Criteria: ACMG Guidelines, 2015. Collection method: clinical testing. Allele origin: germline. Affected: no.

Genome-Nilou Lab
Classification: Uncertain significance for Childhood onset GLUT1 deficiency syndrome 2. Last evaluated: 2023-04-11. Review status: criteria provided, single submitter. Criteria: ACMG Guidelines, 2015. Collection method: clinical testing. Allele origin: germline. Affected: no.

Genome-Nilou Lab
Classification: Uncertain significance for Hereditary cryohydrocytosis with reduced stomatin. Last evaluated: 2023-04-11. Review status: criteria provided, single submitter. Criteria: ACMG Guidelines, 2015. Collection method: clinical testing. Allele origin: germline. Affected: no.

GeneDx
Classification: Uncertain significance. Last evaluated: 2023-03-31. Review status: criteria provided, single submitter. Criteria: GeneDx Variant Classification Process June 2021. Collection method: clinical testing. Allele origin: germline. Affected: yes.
Comment: Not observed at significant frequency in large population cohorts (gnomAD); In silico analysis supports that this missense variant has a deleterious effect on protein structure/function; Has not been previously published as pathogenic or benign to our knowledge

Ambry Genetics
Classification: Uncertain significance for Inborn genetic diseases. Last evaluated: 2022-03-23. Review status: criteria provided, single submitter. Criteria: Ambry Variant Classification Scheme 2023. Collection method: clinical testing. Allele origin: germline.